The following is an entry in ClinVar:

ClinVar aggregate classification (germline): Uncertain significance (1 of 4 stars; one submission).

Conditions:
Naxos disease (NXD). Also called: KERATOSIS PALMOPLANTARIS WITH ARRHYTHMOGENIC CARDIOMYOPATHY; MAL DE NAXOS; PALMOPLANTAR KERATODERMA WITH ARRHYTHMOGENIC RIGHT VENTRICULAR CARDIOMYOPATHY AND WOOLLY HAIR; WOOLLY HAIR, PALMOPLANTAR KERATODERMA, AND CARDIAC ABNORMALITIES; CARDIOMYOPATHY, ARRHYTHMOGENIC RIGHT VENTRICULAR, WITH SKIN, HAIR, AND NAIL ABNORMALITIES. Identifiers: Orphanet 34217, MedGen C1832600, MONDO:0011017, OMIM 601214.
Arrhythmogenic right ventricular dysplasia 12. Also called: ARRHYTHMOGENIC RIGHT VENTRICULAR DYSPLASIA, FAMILIAL, 12. Identifiers: MedGen C1969081, MONDO:0012684, OMIM 611528.

Submission:

Labcorp Genetics (formerly Invitae), Labcorp
Classification: Uncertain significance for Arrhythmogenic right ventricular dysplasia 12; Naxos disease. Last evaluated: 2024-04-04. Review status: criteria provided, single submitter. Criteria: Invitae Variant Classification Sherloc (09022015). Collection method: clinical testing. Allele origin: germline.
Comment: This sequence change replaces methionine, which is neutral and non-polar, with leucine, which is neutral and non-polar, at codon 180 of the JUP protein (p.Met180Leu). This variant is not present in population databases (gnomAD no frequency). This variant has not been reported in the literature in individuals affected with JUP-related conditions. An algorithm developed to predict the effect of missense changes on protein structure and function (PolyPhen-2) suggests that this variant is likely to be tolerated. In summary, the available evidence is currently insufficient to determine the role of this variant in disease. Therefore, it has been classified as a Variant of Uncertain Significance.

NM_002230.4(JUP):c.538A>C (p.Met180Leu)

Gene: JUP (junction plakoglobin; minus strand). Cytogenetic location: 17q21.2.
Variant type: single nucleotide variant.
Coding change: c.538A>C on transcript NM_002230.4 (MANE Select); coding-DNA position 538, A replaced by C.
Protein change: p.Met180Leu; replaces methionine 180 with leucine.
Molecular consequence: missense variant.
Genome position (GRCh38, 1-based): chr17:41,769,138, T>G on the plus strand (A>C on the coding strand, the complement: JUP is on the minus strand). VCF-style: chr17-41769138-T-G. GRCh37 (hg19) VCF-style: chr17-39925390-T-G.
Other names: c.538A>C, p.Met180Leu (NM_001352773.2, NM_001352774.2, NM_001352775.2 and 3 more transcripts); short protein forms M180L.
Identifiers: ClinVar variation 3749120 (VCV003749120.2).